The following is an entry in ClinVar:

ClinVar aggregate classification (germline): Pathogenic/Likely pathogenic. Review status: criteria provided, multiple submitters, no conflicts (2 of 4 stars). 4 submissions from 4 submitters: Pathogenic (2); Likely pathogenic (2). Last evaluated 2026-01-10.

Conditions:
CFTR-related disorder (CFTR-RD). Also called: CFTR-related disorders; CFTR-related condition. Identifiers: MedGen C5924204, MONDO:7770004.
Bronchiectasis with or without elevated sweat chloride 1 (BESC1). Also called: Cystic Fibrosis-Like Syndrome. Identifiers: Orphanet 60033, MedGen C2749757, MONDO:0008887, OMIM 211400.
Hereditary pancreatitis (PCTT). Also called: PRSS1-Related Hereditary Pancreatitis; Hereditary chronic pancreatitis. Identifiers: Orphanet 676, MedGen C0238339, MONDO:0008185, OMIM 167800.
Cystic fibrosis (CF). Also called: MUCOVISCIDOSIS. Identifiers: Orphanet 586, MedGen C0010674, MONDO:0009061, OMIM 219700. Disease mechanism: loss of function.
Congenital bilateral aplasia of vas deferens from CFTR mutation (CBAVD). Identifiers: Orphanet 48, MedGen C0403814, MONDO:0010178, OMIM 277180. Disease mechanism: loss of function.

Submissions (4):

Natera, Inc.
Classification: Likely pathogenic for CFTR-related disorders. Last evaluated: 2026-01-10. Review status: criteria provided, single submitter. Criteria: Natera Variant Classification Schema (03/2026). Collection method: clinical testing. Allele origin: germline.
Comment: The c.314T>A variant in CFTR is a missense variant predicted to cause substitution of isoleucine to asparagine at amino acid 105. This variant is rare in the general population with a frequency below the threshold expected for the associated phenotype(s). This variant has been observed in one or more individuals affected with the associated recessive disease, as either homozygous or compound heterozygous with a second variant (PMID: 26574590). Functional studies show that this variant may disrupt protein function (PMID: 38388235). Computational prediction algorithms indicate this variant is likely to affect gene or protein function. Given the available evidence, this variant is classified as Likely Pathogenic.

Labcorp Genetics (formerly Invitae), Labcorp
Classification: Pathogenic for Cystic fibrosis. Last evaluated: 2025-11-20. Review status: criteria provided, single submitter. Criteria: Invitae Variant Classification Sherloc (09022015). Collection method: clinical testing. Allele origin: germline.
Comment: This sequence change replaces isoleucine, which is neutral and non-polar, with asparagine, which is neutral and polar, at codon 105 of the CFTR protein (p.Ile105Asn). This variant is not present in population databases (gnomAD no frequency). This missense change has been observed in individual(s) with cystic fibrosis (PMID: 25697318, 26574590, 27214204, 28830496; internal data). In at least one individual the data is consistent with being in trans (on the opposite chromosome) from a pathogenic variant. ClinVar contains an entry for this variant (Variation ID: 53665). Invitae Evidence Modeling of protein sequence and biophysical properties (such as structural, functional, and spatial information, amino acid conservation, physicochemical variation, residue mobility, and thermodynamic stability) indicates that this missense variant is expected to disrupt CFTR protein function with a positive predictive value of 80%. For these reasons, this variant has been classified as Pathogenic.

Women's Health and Genetics/Laboratory Corporation of America, LabCorp
Classification: Pathogenic for Cystic fibrosis. Last evaluated: 2025-08-12. Review status: criteria provided, single submitter. Criteria: LabCorp Variant Classification Summary - May 2015. Collection method: clinical testing. Allele origin: germline.
Comment: Variant summary: CFTR c.314T>A (p.Ile105Asn) results in a non-conservative amino acid change located in the ABC transporter type 1, transmembrane domain (IPR011527) of the encoded protein sequence. Algorithms developed to predict the effect of missense changes on protein structure and function all suggest that this variant is likely to be disruptive. The variant was absent in 251142 control chromosomes. c.314T>A has been reported in the literature in multiple compound heterozygous individuals affected with Cystic Fibrosis or CBAVD (e.g. DeWatcher_2017, Goubau_2009, Guiliani_2010, Lay-son_2014, Salinas_2016, internal data).These data indicate that the variant is likely to be associated with disease. At least one publication reports experimental evidence evaluating an impact on protein function. The most pronounced variant effect results in <10% of normal activity (Bihler_2024). The following publications have been ascertained in the context of this evaluation (PMID: 28830496, 19318346, 20657600, 25697318, 27214204, 38388235). ClinVar contains an entry for this variant (Variation ID: 53665). Based on the evidence outlined above, the variant was classified as pathogenic.

Fulgent Genetics
Classification: Likely pathogenic for Hereditary pancreatitis; Bronchiectasis with or without elevated sweat chloride 1; Cystic fibrosis; Congenital bilateral aplasia of vas deferens from CFTR mutation. Last evaluated: 2024-04-13. Review status: criteria provided, single submitter. Criteria: ACMG Guidelines, 2015. Collection method: clinical testing. Allele origin: germline.

Literature cited by the submitters: PubMed 26574590 (cited by Natera, Inc. and Labcorp Genetics (formerly Invitae), Labcorp); PubMed 38388235 (cited by Natera, Inc. and Women's Health and Genetics/Laboratory Corporation of America, LabCorp); PubMed 25697318 (cited by Labcorp Genetics (formerly Invitae), Labcorp and Women's Health and Genetics/Laboratory Corporation of America, LabCorp); PubMed 27214204 (cited by Labcorp Genetics (formerly Invitae), Labcorp and Women's Health and Genetics/Laboratory Corporation of America, LabCorp); PubMed 28830496 (cited by Labcorp Genetics (formerly Invitae), Labcorp and Women's Health and Genetics/Laboratory Corporation of America, LabCorp); PubMed 20657600 (cited by Women's Health and Genetics/Laboratory Corporation of America, LabCorp); PubMed 19318346 (cited by Women's Health and Genetics/Laboratory Corporation of America, LabCorp).

NM_000492.4(CFTR):c.314T>A (p.Ile105Asn)

Gene: CFTR (CF transmembrane conductance regulator; plus strand). Cytogenetic location: 7q31.2.
Variant type: single nucleotide variant.
Coding change: c.314T>A on transcript NM_000492.4 (MANE Select); coding-DNA position 314, T replaced by A.
Protein change: p.Ile105Asn; replaces isoleucine 105 with asparagine.
Molecular consequence: missense variant.
Genome position (GRCh38, 1-based): chr7:117,530,939, T>A. VCF-style: chr7-117530939-T-A. GRCh37 (hg19) VCF-style: chr7-117170993-T-A.
Other names: short protein forms I105N.
Identifiers: ClinVar variation 53665 (VCV000053665.11), dbSNP rs397508509, ClinGen allele CA327065.